The following is an entry in ClinVar:

NM_001352514.2(HLCS):c.1418dup (p.Glu474fs)

Gene: HLCS (holocarboxylase synthetase; minus strand). Cytogenetic location: 21q22.13.
Variant type: Duplication.
Coding change: c.1418dup on transcript NM_001352514.2 (MANE Select); coding-DNA position 1418, one base duplicated (G; older notation c.1418dupG).
Protein change: p.Glu474fs; shifts the reading frame from glutamic acid 474.
Molecular consequence: frameshift variant. On other transcripts: non-coding transcript variant (2).
Genome position (GRCh38, 1-based): chr21:36,936,468, C duplicated on the plus strand (G on the coding strand, the reverse complement: HLCS is on the minus strand); the first of 5 consecutive C bases (chr21:36,936,468-36,936,472); duplicating any one gives the same sequence. VCF-style (leftmost placement, unchanged base first): chr21-36936467-T-TC. GRCh37 (hg19) VCF-style: chr21-38308767-T-TC.
Other names: c.977dup, p.Glu327fs (NM_000411.8, NM_001242784.3, NM_001242785.2 and 4 more transcripts); short protein forms E474fs, E327fs.
Identifiers: ClinVar variation 552198 (VCV000552198.7), dbSNP rs1555955827, ClinGen allele CA658823890.

ClinVar aggregate classification (germline): Pathogenic. Review status: criteria provided, single submitter (1 of 4 stars). 2 submissions from 2 submitters: Pathogenic (1). 1 of the submissions does not count toward it. Last evaluated 2025-12-17.

Conditions:
Holocarboxylase synthetase deficiency. Also called: MULTIPLE CARBOXYLASE DEFICIENCY, EARLY ONSET. Identifiers: Orphanet 79242, MedGen C0268581, MONDO:0009666, OMIM 253270.

Submissions (2):

Labcorp Genetics (formerly Invitae), Labcorp
Classification: Pathogenic for Holocarboxylase synthetase deficiency. Last evaluated: 2025-12-17. Review status: criteria provided, single submitter. Criteria: Invitae Variant Classification Sherloc (09022015). Collection method: clinical testing. Allele origin: germline.
Comment: This sequence change creates a premature translational stop signal (p.Glu327Argfs*25) in the HLCS gene. It is expected to result in an absent or disrupted protein product. Loss-of-function variants in HLCS are known to be pathogenic (PMID: 16134170). This variant is not present in population databases (gnomAD no frequency). This variant has not been reported in the literature in individuals affected with HLCS-related conditions. ClinVar contains an entry for this variant (Variation ID: 552198). For these reasons, this variant has been classified as Pathogenic.

Counsyl
Classification: Likely pathogenic for Holocarboxylase synthetase deficiency. Last evaluated: 2017-05-25. Review status: no assertion criteria provided. Collection method: clinical testing. Allele origin: unknown. Not counted in ClinVar's aggregate classification.

Literature cited by the submitters: PubMed 16134170 (cited by Labcorp Genetics (formerly Invitae), Labcorp).